The following is an entry in ClinVar:

ClinVar aggregate classification (germline): Uncertain significance (1 of 4 stars; one submission).

Conditions:
Renal tubulopathies.

gnomAD v4.1: 5 of 1,612,232 alleles (0.00031%); highest among the groups gnomAD compares: South Asian, 0.0055%; 1 homozygote.

Submission:

Genetics Laboratory, Great Ormond Street Hospital NHS Foundation Trust, North Thames Genomic Laboratory Hub
Classification: Uncertain significance for Renal tubulopathies. Last evaluated: 2026-09-08. Review status: criteria provided, single submitter. Criteria: ACGS Best Practice Guidelines for Variant Classification in Rare Disease 2024 v1.2. Collection method: clinical testing. Allele origin: germline. Affected: yes.
Comment: PM2_moderate, PM3_supporting, PP4_supporting

NM_001126108.2(SLC12A3):c.1436T>C (p.Val479Ala)

Gene: SLC12A3 (solute carrier family 12 member 3; plus strand). Cytogenetic location: 16q13.
Variant type: single nucleotide variant.
Coding change: c.1436T>C on transcript NM_001126108.2 (MANE Select); coding-DNA position 1436, T replaced by C.
Protein change: p.Val479Ala; replaces valine 479 with alanine.
Molecular consequence: missense variant.
Genome position (GRCh38, 1-based): chr16:56,879,642, T>C. VCF-style: chr16-56879642-T-C. GRCh37 (hg19) VCF-style: chr16-56913554-T-C.
Other names: c.1436T>C, p.Val479Ala (NM_000339.3); c.1433T>C, p.Val478Ala (NM_001126107.2, NM_001410896.1); short protein forms V478A, V479A.
Identifiers: ClinVar variation 5042484 (VCV005042484.1).